The following is an entry in ClinVar:

ClinVar aggregate classification (germline): Uncertain significance (1 of 4 stars; one submission).

gnomAD v4.1: 1 of 1,614,044 alleles (0.000062%); highest among the groups gnomAD compares: South Asian, 0.0011%; no homozygotes.

Submission:

Laboratorio de Genetica e Diagnostico Molecular, Hospital Israelita Albert Einstein
Classification: Uncertain significance. Last evaluated: 2020-11-06. Review status: criteria provided, single submitter. Criteria: ACMG Guidelines, 2015. Collection method: clinical testing. Allele origin: germline. Affected: yes.
Comment: ACMG classification criteria: PM2, BP4

NM_005228.5(EGFR):c.1443T>A (p.Phe481Leu)

Gene: EGFR (epidermal growth factor receptor; plus strand). Cytogenetic location: 7p11.2.
Variant type: single nucleotide variant.
Coding change: c.1443T>A on transcript NM_005228.5 (MANE Select); coding-DNA position 1443, T replaced by A.
Protein change: p.Phe481Leu; replaces phenylalanine 481 with leucine.
Molecular consequence: missense variant.
Genome position (GRCh38, 1-based): chr7:55,160,283, T>A. VCF-style: chr7-55160283-T-A. GRCh37 (hg19) VCF-style: chr7-55227976-T-A.
Other names: c.1308T>A, p.Phe436Leu (NM_001346897.2, NM_001346899.2); c.1443T>A, p.Phe481Leu (NM_001346898.2, NM_201282.2, NM_201284.2); c.1284T>A, p.Phe428Leu (NM_001346900.2); c.642T>A, p.Phe214Leu (NM_001346941.2); short protein forms F214L, F428L, F436L, F481L.
Identifiers: ClinVar variation 1690975 (VCV001690975.2), dbSNP rs587778247, ClinGen allele CA367579622.